The following is an entry in ClinVar:

NM_000143.4(FH):c.339T>A (p.Asp113Glu)

Gene: FH (fumarate hydratase; minus strand). Cytogenetic location: 1q43.
Variant type: single nucleotide variant.
Coding change: c.339T>A on transcript NM_000143.4 (MANE Select); coding-DNA position 339, T replaced by A.
Protein change: p.Asp113Glu; replaces aspartic acid 113 with glutamic acid.
Molecular consequence: missense variant.
Genome position (GRCh38, 1-based): chr1:241,513,642, A>T on the plus strand (T>A on the coding strand, the complement: FH is on the minus strand). VCF-style: chr1-241513642-A-T. GRCh37 (hg19) VCF-style: chr1-241676942-A-T.
Other names: short protein forms D113E.
Identifiers: ClinVar variation 663341 (VCV000663341.13), dbSNP rs1029743950, ClinGen allele CA40333058.
Genomic context (GRCh38, chr1:241,513,642, plus strand): 5'-AACACACTTATCACCTCCTACCTCATCTGCTGCCTTCATTATTGCATTAGCAATCTTTGG[A>T]TCAAGACCATAATCCTGGTTTACTTCAGCGGCCGCTCGCTTCAAGATGCCAAAAGCTTTA-3'
Protein context (NP_000134.2, residues 103-123): AAEVNQDYGL[Asp113Glu]PKIANAIMKA

ClinVar aggregate classification (germline): Uncertain significance. Review status: criteria provided, multiple submitters, no conflicts (2 of 4 stars). 3 submissions from 3 submitters: Uncertain significance (2). 1 of the submissions does not count toward it. Last evaluated 2025-09-10.

Conditions:
Hereditary cancer-predisposing syndrome. Also called: Neoplastic Syndromes, Hereditary; Hereditary neoplastic syndrome; Tumor predisposition; Hereditary Cancer Syndrome. Identifiers: Orphanet 140162, MedGen C0027672, MeSH D009386, MONDO:0015356.
Fumarase deficiency (FMRD). Also called: Fumaric aciduria; Fumarate Hydratase Deficiency. Identifiers: Orphanet 24, MedGen C0342770, MONDO:0011730, OMIM 606812.

Allele frequency attached by ClinVar (database versions not stated): gnomAD exomes below 0.00001; TOPMed below 0.00001; gnomAD 0.00001.
gnomAD v4.1: 3 of 1,613,988 alleles (0.00019%); highest among the groups gnomAD compares: Non-Finnish European, 0.00025%; no homozygotes.

Submissions (3):

Ambry Genetics
Classification: Uncertain significance for Hereditary cancer-predisposing syndrome. Last evaluated: 2025-09-10. Review status: criteria provided, single submitter. Criteria: Ambry Variant Classification Scheme 2023. Collection method: clinical testing. Allele origin: germline.
Comment: The p.D113E variant (also known as c.339T>A), located in coding exon 3 of the FH gene, results from a T to A substitution at nucleotide position 339. The aspartic acid at codon 113 is replaced by glutamic acid, an amino acid with highly similar properties. This amino acid position is highly conserved in available vertebrate species. In addition, this alteration is predicted to be deleterious by in silico analysis. Since supporting evidence is limited at this time, the clinical significance of this alteration remains unclear.

Labcorp Genetics (formerly Invitae), Labcorp
Classification: Uncertain significance. Last evaluated: 2025-03-12. Review status: criteria provided, single submitter. Criteria: Invitae Variant Classification Sherloc (09022015). Collection method: clinical testing. Allele origin: germline.
Comment: This sequence change replaces aspartic acid, which is acidic and polar, with glutamic acid, which is acidic and polar, at codon 113 of the FH protein (p.Asp113Glu). This variant is not present in population databases (gnomAD no frequency). This variant has not been reported in the literature in individuals affected with FH-related conditions. ClinVar contains an entry for this variant (Variation ID: 663341). Invitae Evidence Modeling of protein sequence and biophysical properties (such as structural, functional, and spatial information, amino acid conservation, physicochemical variation, residue mobility, and thermodynamic stability) has been performed for this missense variant. However, the output from this modeling did not meet the statistical confidence thresholds required to predict the impact of this variant on FH protein function. In summary, the available evidence is currently insufficient to determine the role of this variant in disease. Therefore, it has been classified as a Variant of Uncertain Significance.

Natera, Inc.
Classification: Uncertain significance for Fumarase Deficiency. Last evaluated: 2021-09-03. Review status: no assertion criteria provided. Collection method: clinical testing. Allele origin: germline. Not counted in ClinVar's aggregate classification.